The following is an entry in ClinVar:

NM_001281503.2(SLITRK1):c.*1963C>T

Gene: SLITRK1 (SLIT and NTRK like family member 1; minus strand). Cytogenetic location: 13q31.1.
Variant type: single nucleotide variant.
Coding change: c.*1963C>T on transcript NM_001281503.2 (MANE Select); 1963 bases downstream of the stop codon, C replaced by T.
Molecular consequence: 3 prime UTR variant.
Genome position (GRCh38, 1-based): chr13:83,877,454, G>A on the plus strand (C>T on the coding strand, the complement: SLITRK1 is on the minus strand). VCF-style: chr13-83877454-G-A. GRCh37 (hg19) VCF-style: chr13-84451589-G-A.
Other names: c.*1963C>T (NM_052910.2).
Identifiers: ClinVar variation 882284 (VCV000882284.4), dbSNP rs117206130, ClinGen allele CA253149277.

ClinVar aggregate classification (germline): Likely benign (1 of 4 stars; one submission).

Conditions:
Tourette syndrome (GTS). Also called: GILLES DE LA TOURETTE SYNDROME. Identifiers: MedGen C0040517, MONDO:0007661, OMIM 137580.

Allele frequency attached by ClinVar (database versions not stated): gnomAD 0.00124 and 0.00160; TOPMed 0.00192; 1000 Genomes Project 30x 0.00734; 1000 Genomes Project 0.00739.

Submission:

Illumina Laboratory Services, Illumina
Classification: Likely benign for Tourette syndrome. Last evaluated: 2018-01-12. Review status: criteria provided, single submitter. Criteria: ICSL Variant Classification Criteria 13 December 2019. Collection method: clinical testing. Allele origin: germline.
Comment: This variant was observed in the ICSL laboratory as part of a predisposition screen in an ostensibly healthy population. It had not been previously curated by ICSL or reported in the Human Gene Mutation Database (HGMD: prior to June 1st, 2018), and was therefore a candidate for classification through an automated scoring system. Utilizing variant allele frequency, disease prevalence and penetrance estimates, and inheritance mode, an automated score was calculated to assess if this variant is too frequent to cause the disease. Based on the score and internal cut-off values, a variant classified as likely benign is not then subjected to further curation. The score for this variant resulted in a classification of likely benign for this disease.